The following is an entry in ClinVar:

ClinVar aggregate classification (germline): Pathogenic. Review status: criteria provided, multiple submitters, no conflicts (2 of 4 stars). 3 submissions from 3 submitters: Pathogenic (2). 1 of the submissions does not count toward it. Last evaluated 2025-05-17.

Conditions:
NOTCH2-related disorder. Also called: NOTCH2-related condition.
Hajdu-Cheney syndrome (HJCYS). Also called: SERPENTINE FIBULA-POLYCYSTIC KIDNEY SYNDROME; ACROOSTEOLYSIS WITH OSTEOPOROSIS AND CHANGES IN SKULL AND MANDIBLE; Acroosteolysis dominant type. Identifiers: Orphanet 955, MedGen C0917715, MONDO:0007057, OMIM 102500.

Submissions (3):

Labcorp Genetics (formerly Invitae), Labcorp
Classification: Pathogenic for Hajdu-Cheney syndrome. Last evaluated: 2025-05-17. Review status: criteria provided, single submitter. Criteria: Invitae Variant Classification Sherloc (09022015). Collection method: clinical testing. Allele origin: germline.
Comment: This sequence change creates a premature translational stop signal (p.Leu1995Valfs*29) in the NOTCH2 gene. While this is not anticipated to result in nonsense mediated decay, it is expected to disrupt the last 477 amino acid(s) of the NOTCH2 protein. This variant is not present in population databases (gnomAD no frequency). This premature translational stop signal has been observed in individual(s) with Alagille syndrome (PMID: 30074189). ClinVar contains an entry for this variant (Variation ID: 872434). This variant disrupts a region of the NOTCH2 protein in which other variant(s) (p.Ile2304Hisfs*9) have been determined to be pathogenic (PMID: 27312922; internal data). This suggests that this is a clinically significant region of the protein, and that variants that disrupt it are likely to be disease-causing. For these reasons, this variant has been classified as Pathogenic.

CeGaT Center for Human Genetics Tuebingen
Classification: Pathogenic. Last evaluated: 2017-01-01. Review status: criteria provided, single submitter. Criteria: CeGaT Center For Human Genetics Tuebingen Variant Classification Criteria Version 2. Collection method: clinical testing. Allele origin: germline. Affected: yes. Observed: 1 variant allele.

PreventionGenetics, part of Exact Sciences
Classification: Pathogenic for NOTCH2-related condition. Last evaluated: 2024-03-19. Review status: no assertion criteria provided. Collection method: clinical testing. Allele origin: germline. Not counted in ClinVar's aggregate classification.
Comment: The NOTCH2 c.5983_5984delTT variant is predicted to result in a frameshift and premature protein termination (p.Leu1995Valfs*29). This variant has been reported in an individual with autosomal dominant Alagille syndrome (Liu et al. 2018. PubMed ID: 30074189). This variant has not been reported in a large population database, indicating it is rare. Frameshift variants in NOTCH2 are expected to be pathogenic. This variant is interpreted as pathogenic.

Literature cited by the submitters: PubMed 30074189 (cited by Labcorp Genetics (formerly Invitae), Labcorp); PubMed 27312922 (cited by Labcorp Genetics (formerly Invitae), Labcorp).

NM_024408.4(NOTCH2):c.5983_5984del (p.Leu1995fs)

Gene: NOTCH2 (notch receptor 2; minus strand). Cytogenetic location: 1p12.
Variant type: Deletion.
Coding change: c.5983_5984del on transcript NM_024408.4 (MANE Select); coding-DNA positions 5983 to 5984, 2 bases deleted (TT; older notation c.5983_5984delTT).
Protein change: p.Leu1995fs; shifts the reading frame from leucine 1995.
Molecular consequence: frameshift variant.
Genome position (GRCh38, 1-based): chr1:119,917,708-119,917,709, AA deleted on the plus strand (TT on the coding strand, the reverse complement: NOTCH2 is on the minus strand); deleting any 2 consecutive bases within chr1:119,917,708-119,917,711 gives the same sequence; the c. name uses the placement nearest the transcript's 3' end. VCF-style (leftmost placement, unchanged base first): chr1-119917707-CAA-C. GRCh37 (hg19) VCF-style: chr1-120460330-CAA-C.
Other names: c.5983_5984delTT (NM_024408.3); short protein forms L1995fs.
Identifiers: ClinVar variation 872434 (VCV000872434.42), dbSNP rs1649134213, ClinGen allele CA1139656288.